The following is an entry in ClinVar:

NM_016507.4(CDK12):c.853T>A (p.Tyr285Asn)

Genes: CDK12 (cyclin dependent kinase 12; plus strand), LOC126862553 (CDK7 strongly-dependent group 2 enhancer GRCh37_chr17:37618166-37619365; plus strand). Cytogenetic location: 17q12.
Variant type: single nucleotide variant.
Coding change: c.853T>A on transcript NM_016507.4 (MANE Select); coding-DNA position 853, T replaced by A.
Protein change: p.Tyr285Asn; replaces tyrosine 285 with asparagine.
Molecular consequence: missense variant.
Genome position (GRCh38, 1-based): chr17:39,462,924, T>A. VCF-style: chr17-39462924-T-A. GRCh37 (hg19) VCF-style: chr17-37619177-T-A.
Other names: c.853T>A, p.Tyr285Asn (NM_015083.4); short protein forms Y285N.
Identifiers: ClinVar variation 4224252 (VCV004224252.1).
Genomic context (GRCh38, chr17:39,462,924, plus strand): 5'-AGTCCTGGAAGTACCTCGAGAAGGCAGTCGGTCAGTCCCCCTTACAAGGAGCCTTCGGCC[T>A]ACCAGTCCAGCACCCGGTCACCGAGCCCCTACAGTAGGCGACAGAGATCTGTCAGTCCCT-3'
Protein context (NP_057591.2, residues 275-295): VSPPYKEPSA[Tyr285Asn]QSSTRSPSPY

ClinVar aggregate classification (germline): Uncertain significance (1 of 4 stars; one submission).

Submission:

Ambry Genetics
Classification: Uncertain significance. Last evaluated: 2025-07-03. Review status: criteria provided, single submitter. Criteria: Ambry Variant Classification Scheme 2023. Collection method: clinical testing. Allele origin: germline.
Comment: The p.Y285N variant (also known as c.853T>A), located in coding exon 1 of the CDK12 gene, results from a T to A substitution at nucleotide position 853. The tyrosine at codon 285 is replaced by asparagine, an amino acid with dissimilar properties. This amino acid position is conserved. In addition, the in silico prediction for this alteration is inconclusive. Based on the available evidence, the clinical significance of this variant remains unclear.